The following is an entry in ClinVar:

ClinVar aggregate classification (germline): Uncertain significance. Review status: criteria provided, multiple submitters, no conflicts (2 of 4 stars). 2 submissions from 2 submitters: Uncertain significance (2). Last evaluated 2024-09-04.

Conditions:
Inborn genetic diseases. Identifiers: MedGen C0950123, MeSH D030342.
Isolated microphthalmia 4. Identifiers: Orphanet 2542, MedGen C2751307, MONDO:0013130, OMIM 613094.
Klippel-Feil syndrome 1, autosomal dominant (KFS1). Also called: CERVICAL VERTEBRAL FUSION, AUTOSOMAL DOMINANT. Identifiers: Orphanet 2345, MedGen C1861689, MONDO:0007306, OMIM 118100.
Leber congenital amaurosis 17 (LCA17). Identifiers: Orphanet 65, MedGen C3715164, MONDO:0014145, OMIM 615360.
Microphthalmia, isolated, with coloboma 6 (MCOPCB6). Also called: Microphthalmia with coloboma 6, digenic; Microphthalmia with coloboma 6; MICROPHTHALMIA/COLOBOMA 6. Identifiers: Orphanet 98938, MedGen C3150968, MONDO:0013376, OMIM 613703.

Submissions (2):

Labcorp Genetics (formerly Invitae), Labcorp
Classification: Uncertain significance for Isolated microphthalmia 4; Leber congenital amaurosis 17; Klippel-Feil syndrome 1, autosomal dominant; Microphthalmia, isolated, with coloboma 6. Last evaluated: 2024-09-04. Review status: criteria provided, single submitter. Criteria: Invitae Variant Classification Sherloc (09022015). Collection method: clinical testing. Allele origin: germline.
Comment: This sequence change replaces serine, which is neutral and polar, with glycine, which is neutral and non-polar, at codon 429 of the GDF6 protein (p.Ser429Gly). This variant is not present in population databases (gnomAD no frequency). This variant has not been reported in the literature in individuals affected with GDF6-related conditions. Invitae Evidence Modeling of protein sequence and biophysical properties (such as structural, functional, and spatial information, amino acid conservation, physicochemical variation, residue mobility, and thermodynamic stability) indicates that this missense variant is expected to disrupt GDF6 protein function with a positive predictive value of 80%. In summary, the available evidence is currently insufficient to determine the role of this variant in disease. Therefore, it has been classified as a Variant of Uncertain Significance.

Ambry Genetics
Classification: Uncertain significance for Inborn genetic diseases. Last evaluated: 2024-06-02. Review status: criteria provided, single submitter. Criteria: Ambry Variant Classification Scheme 2023. Collection method: clinical testing. Allele origin: germline.

NM_001001557.4(GDF6):c.1285A>G (p.Ser429Gly)

Gene: GDF6 (growth differentiation factor 6; minus strand). Cytogenetic location: 8q22.1.
Variant type: single nucleotide variant.
Coding change: c.1285A>G on transcript NM_001001557.4 (MANE Select); coding-DNA position 1285, A replaced by G.
Protein change: p.Ser429Gly; replaces serine 429 with glycine.
Molecular consequence: missense variant.
Genome position (GRCh38, 1-based): chr8:96,144,646, T>C on the plus strand (A>G on the coding strand, the complement: GDF6 is on the minus strand). VCF-style: chr8-96144646-T-C. GRCh37 (hg19) VCF-style: chr8-97156874-T-C.
Other names: short protein forms S429G.
Identifiers: ClinVar variation 3281143 (VCV003281143.3).